The following is an entry in ClinVar:

ClinVar aggregate classification (germline): Uncertain significance (1 of 4 stars; one submission).

Submission:

Labcorp Genetics (formerly Invitae), Labcorp
Classification: Uncertain significance. Last evaluated: 2024-12-22. Review status: criteria provided, single submitter. Criteria: Invitae Variant Classification Sherloc (09022015). Collection method: clinical testing. Allele origin: germline.
Comment: This sequence change replaces alanine, which is neutral and non-polar, with aspartic acid, which is acidic and polar, at codon 157 of the CTF1 protein (p.Ala157Asp). This variant is not present in population databases (gnomAD no frequency). This variant has not been reported in the literature in individuals affected with CTF1-related conditions. An algorithm developed to predict the effect of missense changes on protein structure and function (PolyPhen-2) suggests that this variant is likely to be disruptive. In summary, the available evidence is currently insufficient to determine the role of this variant in disease. Therefore, it has been classified as a Variant of Uncertain Significance.

NM_001330.5(CTF1):c.470C>A (p.Ala157Asp)

Genes: CTF1 (cardiotrophin 1; plus strand), LOC130058878 (ATAC-STARR-seq lymphoblastoid silent region 7400; plus strand). Cytogenetic location: 16p11.2.
Variant type: single nucleotide variant.
Coding change: c.470C>A on transcript NM_001330.5 (MANE Select); coding-DNA position 470, C replaced by A.
Protein change: p.Ala157Asp; replaces alanine 157 with aspartic acid.
Molecular consequence: missense variant. On other transcripts: non-coding transcript variant (1).
Genome position (GRCh38, 1-based): chr16:30,902,403, C>A. VCF-style: chr16-30902403-C-A. GRCh37 (hg19) VCF-style: chr16-30913724-C-A.
Other names: c.467C>A, p.Ala156Asp (NM_001142544.3); short protein forms A157D, A156D.
Identifiers: ClinVar variation 3696180 (VCV003696180.2).